The following is an entry in ClinVar:

NM_001036.6(RYR3):c.11146C>T (p.Leu3716Phe)

Gene: RYR3 (ryanodine receptor 3; plus strand). Cytogenetic location: 15q14.
Variant type: single nucleotide variant.
Coding change: c.11146C>T on transcript NM_001036.6 (MANE Select); coding-DNA position 11146, C replaced by T.
Protein change: p.Leu3716Phe; replaces leucine 3716 with phenylalanine.
Molecular consequence: missense variant.
Genome position (GRCh38, 1-based): chr15:33,825,676, C>T. VCF-style: chr15-33825676-C-T. GRCh37 (hg19) VCF-style: chr15-34117877-C-T.
Other names: c.11131C>T, p.Leu3711Phe (NM_001243996.4); short protein forms L3716F, L3711F.
Identifiers: ClinVar variation 942721 (VCV000942721.10), dbSNP rs776691651, ClinGen allele CA7461132.

ClinVar aggregate classification (germline): Uncertain significance. Review status: criteria provided, multiple submitters, no conflicts (2 of 4 stars). 2 submissions from 2 submitters: Uncertain significance (2). Last evaluated 2023-11-25.

Conditions:
Congenital myopathy 20 (CMYO20). Identifiers: MedGen C5830393, MONDO:0957215, OMIM 620310.
Epileptic encephalopathy. Identifiers: MedGen C0543888, HP:0200134.

Allele frequency attached by ClinVar (database versions not stated): gnomAD 0.00001; gnomAD exomes 0.00001; ExAC 0.00002; TOPMed 0.00002.
gnomAD v4.1: 10 of 1,526,216 alleles (0.00066%); highest among the groups gnomAD compares: Middle Eastern, 0.017%; no homozygotes.

Submissions (2):

Kariminejad - Najmabadi Pathology & Genetics Center
Classification: Uncertain significance for Congenital myopathy 20. Last evaluated: 2023-11-25. Review status: criteria provided, single submitter. Criteria: ACMG Guidelines, 2015. Collection method: clinical testing. Allele origin: germline. Inheritance: Autosomal recessive inheritance. Affected: yes.
Comment: PM2_moderate,PP3_moderate,BP1

Labcorp Genetics (formerly Invitae), Labcorp
Classification: Uncertain significance for Epileptic encephalopathy. Last evaluated: 2019-09-28. Review status: criteria provided, single submitter. Criteria: Invitae Variant Classification Sherloc (09022015). Collection method: clinical testing. Allele origin: germline.
Comment: This variant is present in population databases (rs776691651, ExAC 0.006%). In summary, the available evidence is currently insufficient to determine the role of this variant in disease. Therefore, it has been classified as a Variant of Uncertain Significance. Algorithms developed to predict the effect of sequence changes on RNA splicing suggest that this variant may disrupt the consensus splice site, but this prediction has not been confirmed by published transcriptional studies. Algorithms developed to predict the effect of missense changes on protein structure and function are either unavailable or do not agree on the potential impact of this missense change (SIFT: "Deleterious"; PolyPhen-2: "Benign"; Align-GVGD: "Class C0"). This variant has not been reported in the literature in individuals with RYR3-related conditions. This sequence change replaces leucine with phenylalanine at codon 3716 of the RYR3 protein (p.Leu3716Phe). The leucine residue is moderately conserved and there is a small physicochemical difference between leucine and phenylalanine.